The following is an entry in ClinVar:

NM_005629.4(SLC6A8):c.644+5G>C

Gene: SLC6A8 (solute carrier family 6 member 8; plus strand). Cytogenetic location: Xq28.
Variant type: single nucleotide variant.
Coding change: c.644+5G>C on transcript NM_005629.4 (MANE Select); 5 bases into the intron after coding-DNA position 644, G replaced by C.
Molecular consequence: intron variant.
Genome position (GRCh38, 1-based): chrX:153,691,558, G>C. VCF-style: chrX-153691558-G-C. GRCh37 (hg19) VCF-style: chrX-152957013-G-C.
Other names: c.644+5G>C (NM_001142805.2); c.299+5G>C (NM_001142806.1).
Identifiers: ClinVar variation 3376199 (VCV003376199.1).

ClinVar aggregate classification (germline): Likely pathogenic (1 of 4 stars; one submission).

Conditions:
Creatine transporter deficiency (CCDS1). Also called: CEREBRAL CREATINE DEFICIENCY SYNDROME 1; Mental retardation , X-linked with seizures, short stature and midface hypoplasia; Mental retardation , X-linked, with creatine transport deficiency; X-linked creatine transporter deficiency; X-linked creatine deficiency syndrome; SLC6A8-Related Creatine Transporter Deficiency. Identifiers: Orphanet 52503, MedGen C1845862, MONDO:0010305, OMIM 300352.

Submission:

Pittsburgh Clinical Genomics Laboratory, University of Pittsburgh Medical Center
Classification: Likely pathogenic for Creatine transporter deficiency. Last evaluated: 2022-11-01. Review status: criteria provided, single submitter. Criteria: ACMG Guidelines, 2015. Collection method: clinical testing. Allele origin: germline. Inheritance: X-linked recessive inheritance. Affected: yes.
Comment: This sequence variant is a single nucleotide substitution (G>C) five bases past the exon 3 coding sequence. This is a novel variant that has not been reported in a database of clinically annotated variants (ClinVar) and is absent from control population datasets (gnomAD dataset, 0 of approximately 180,000 alleles). To our knowledge this variant has not been observed in individuals with a SLC6A8-related disorder in the published literature. The G nucleotide is strongly conserved at this position across the vertebrate species examined and multiple bioinformatic splice predictors indicate that this variant would cause a loss of the exon 3 donor site thereby disrupting the proper splicing of SLC6A8. Studies examining the functiol consequence of this variant SLC6A8 have not been published, to our knowledge. However, biochemical alysis of an affected individual suggests that this variant disrupts proper SLC6A8 function (interl observation). Given this information, we consider this a likely pathogenic variant. ACMG Criteria: PM2, PP3, PS3